The following is an entry in ClinVar:

ClinVar aggregate classification (germline): Uncertain significance (1 of 4 stars; one submission).

Allele frequency attached by ClinVar (database versions not stated): 1000 Genomes Project 30x 0.00031; 1000 Genomes Project 0.00040; ESP Exome Variant Server 0.00008.
gnomAD v4.1: 53 of 1,614,178 alleles (0.0033%); highest among the groups gnomAD compares: Middle Eastern, 0.033%; no homozygotes.

Submission:

Laboratory for Molecular Medicine, Mass General Brigham Personalized Medicine
Classification: Uncertain significance. Last evaluated: 2011-04-13. Review status: criteria provided, single submitter. Criteria: LMM Criteria. Collection method: clinical testing. Allele origin: germline. Observed: 1 variant allele.
Comment: The Asp1899Asn variant in OTOF has not been reported in the literature nor previ ously identified by our laboratory. Computational analyses (biochemical amino ac id properties, homology, PolyPhen2, SIFT, AlignGVGD) do not provide strong suppo rt for or against pathogenicity. It should be noted that this lab has only seque nced the OTOF in a few Iraqi probands and no Iraqi healthy controls. In addition , healthy control information is unavailable from either public databases or sci entific literature, such that the full spectrum of benign variation has not yet been defined for this population. Future analysis could reveal that the Asp1899A sn variant is common in this population and therefore unlikely to be pathogenic. In summary, the clinical significance of this variant cannot be determined with certainty at this time.

NM_194248.3(OTOF):c.5695G>A (p.Asp1899Asn)

Gene: OTOF (otoferlin; minus strand). Cytogenetic location: 2p23.3.
Variant type: single nucleotide variant.
Coding change: c.5695G>A on transcript NM_194248.3 (MANE Select); coding-DNA position 5695, G replaced by A.
Protein change: p.Asp1899Asn; replaces aspartic acid 1899 with asparagine.
Molecular consequence: missense variant.
Genome position (GRCh38, 1-based): chr2:26,460,869, C>T on the plus strand (G>A on the coding strand, the complement: OTOF is on the minus strand). VCF-style: chr2-26460869-C-T. GRCh37 (hg19) VCF-style: chr2-26683737-C-T.
Other names: c.5695G>A, p.Asp1899Asn (NM_001287489.2); c.3394G>A, p.Asp1132Asn (NM_004802.4, NM_194323.3); c.3625G>A, p.Asp1209Asn (NM_194322.3); short protein forms D1899N, D1132N, D1209N.
Identifiers: ClinVar variation 48266 (VCV000048266.5), dbSNP rs137986959, ClinGen allele CA142944.